The following is an entry in ClinVar:

NM_006766.5(KAT6A):c.4993CAACCA[3] (p.Pro1668_Ala1669insGlnPro)

Gene: KAT6A (lysine acetyltransferase 6A; minus strand). Cytogenetic location: 8p11.21.
Variant type: Microsatellite.
Coding change: c.4993CAACCA[3] on transcript NM_006766.5 (MANE Select); three copies in a row of the 6-base unit CAACCA starting at c.4993; the reference has two copies in a row; one copy, 6 bases duplicated.
Protein change: p.Pro1668_Ala1669insGlnPro.
Molecular consequence: inframe insertion.
Genome position (GRCh38, 1-based): chr8:41,933,216-41,933,221, TGGTTG duplicated on the plus strand (CAACCA on the coding strand, the reverse complement: KAT6A is on the minus strand); duplicating any 6 consecutive bases within chr8:41,933,216-41,933,230 gives the same sequence; the position shown is the placement nearest the transcript's 3' end. VCF-style (leftmost placement, unchanged base first): chr8-41933215-C-CTGGTTG. GRCh37 (hg19) VCF-style: chr8-41790733-C-CTGGTTG.
Identifiers: ClinVar variation 3342422 (VCV003342422.3).

ClinVar aggregate classification (germline): Conflicting classifications of pathogenicity. Review status: criteria provided, conflicting classifications (1 of 4 stars). 2 submissions from 2 submitters: Uncertain significance (1); Likely benign (1). Last evaluated 2026-01-09.

Submissions (2):

Labcorp Genetics (formerly Invitae), Labcorp
Classification: Likely benign. Last evaluated: 2026-01-09. Review status: criteria provided, single submitter. Criteria: Invitae Variant Classification Sherloc (09022015). Collection method: clinical testing. Allele origin: germline.

GeneDx
Classification: Uncertain significance. Last evaluated: 2023-11-21. Review status: criteria provided, single submitter. Criteria: GeneDx Variant Classification Process June 2021. Collection method: clinical testing. Allele origin: germline. Affected: yes.
Comment: In-frame insertion of 2 amino acids in a non-repeat region; Has not been previously published as pathogenic or benign to our knowledge